The following is an entry in ClinVar:

ClinVar aggregate classification (germline): Uncertain significance. Review status: criteria provided, multiple submitters, no conflicts (2 of 4 stars). 3 submissions from 3 submitters: Uncertain significance (3). Last evaluated 2024-04-24.

Conditions:
Corticosterone 18-monooxygenase deficiency. Also called: ALDOSTERONE DEFICIENCY DUE TO DEFECT IN STEROID 18-HYDROXYLASE; ALDOSTERONE DEFICIENCY I; CMO I DEFICIENCY; STEROID 18-HYDROXYLASE DEFICIENCY; 18 Hydroxylase deficiency; Aldosterone deficiency due to defect in 18 hydroxylase. Identifiers: Orphanet 427, MedGen C0268293, MONDO:0008751, OMIM 203400. Disease mechanism: loss of function.
Corticosterone methyloxidase type 2 deficiency. Also called: 18-OXIDASE DEFICIENCY; ALDOSTERONE DEFICIENCY DUE TO DEFICIENCY OF STEROID 18-OXIDASE; ALDOSTERONE DEFICIENCY II; CMO II DEFICIENCY; STEROID 18-OXIDASE DEFICIENCY. Identifiers: Orphanet 427, MedGen C3463917, MONDO:0012524, OMIM 610600. Disease mechanism: loss of function.

gnomAD v4.1: 27 of 1,613,820 alleles (0.0017%); highest among the groups gnomAD compares: Admixed American, 0.0033%; no homozygotes.

Submissions (3):

Women's Health and Genetics/Laboratory Corporation of America, LabCorp
Classification: Uncertain significance. Last evaluated: 2024-04-24. Review status: criteria provided, single submitter. Criteria: LabCorp Variant Classification Summary - May 2015. Collection method: clinical testing. Allele origin: germline.
Comment: Variant summary: CYP11B2 c.1097G>A (p.Arg366Gln) results in a conservative amino acid change in the encoded protein sequence. Five of five in-silico tools predict a benign effect of the variant on protein function. The variant allele was found at a frequency of 4e-06 in 249236 control chromosomes. The available data on variant occurrences in the general population are insufficient to allow any conclusion about variant significance. To our knowledge, no occurrence of c.1097G>A in individuals affected with Familial Hypoaldosteronism and no experimental evidence demonstrating its impact on protein function have been reported. No submitters have cited clinical-significance assessments for this variant to ClinVar. Based on the evidence outlined above, the variant was classified as uncertain significance.

Fulgent Genetics
Classification: Uncertain significance for Corticosterone 18-monooxygenase deficiency; Corticosterone methyloxidase type 2 deficiency. Last evaluated: 2024-04-09. Review status: criteria provided, single submitter. Criteria: ACMG Guidelines, 2015. Collection method: clinical testing. Allele origin: germline.

Blueprint Genetics
Classification: Uncertain significance. Last evaluated: 2021-11-12. Review status: criteria provided, single submitter. Criteria: ACMG Guidelines, 2015. Collection method: clinical testing. Allele origin: germline.

NM_000498.3(CYP11B2):c.1097G>A (p.Arg366Gln)

Genes: CYP11B2 (cytochrome P450 family 11 subfamily B member 2; minus strand), LOC106799834 (CYP11B2 recombination region; plus strand). Cytogenetic location: 8q24.3.
Variant type: single nucleotide variant.
Coding change: c.1097G>A on transcript NM_000498.3 (MANE Select); coding-DNA position 1097, G replaced by A.
Protein change: p.Arg366Gln; replaces arginine 366 with glutamine.
Molecular consequence: missense variant.
Genome position (GRCh38, 1-based): chr8:142,913,309, C>T on the plus strand (G>A on the coding strand, the complement: CYP11B2 is on the minus strand). VCF-style: chr8-142913309-C-T. GRCh37 (hg19) VCF-style: chr8-143994725-C-T.
Other names: short protein forms R366Q.
Identifiers: ClinVar variation 3251717 (VCV003251717.3), dbSNP rs746586684.